The following is an entry in ClinVar:

NM_001395413.1(POR):c.1240-2A>G

Gene: POR (cytochrome p450 oxidoreductase; plus strand). Cytogenetic location: 7q11.23.
Variant type: single nucleotide variant.
Coding change: c.1240-2A>G on transcript NM_001395413.1 (MANE Select); the canonical splice acceptor site of the intron before coding-DNA position 1240, A replaced by G.
Molecular consequence: splice acceptor variant. On other transcripts: intron variant (1).
Genome position (GRCh38, 1-based): chr7:75,985,056, A>G. VCF-style: chr7-75985056-A-G. GRCh37 (hg19) VCF-style: chr7-75614374-A-G.
Other names: c.1239+98A>G (NM_001382662.3); c.1240-2A>G (NM_001382659.3, NM_001367562.3, NM_001382658.3 and 1 more transcripts); c.1294-2A>G (NM_001382655.3); c.1249-2A>G (NM_000941.2).
Identifiers: ClinVar variation 2822770 (VCV002822770.4), dbSNP rs1352009961, ClinGen allele CA367749553.
Genomic context (GRCh38, chr7:75,985,056, plus strand): 5'-CCCCGCCGTTTTCCGAGCTCCGTGGGCCCCAATCAGCCCCATCTCACCCCCGTGTCTCTT[A>G]GGAGCTGTACCTGAGCTGGGTGGTGGAGGCCCGGAGGCACATCCTGGCCATCCTGCAGGA-3'

ClinVar aggregate classification (germline): Likely pathogenic. Review status: criteria provided, multiple submitters, no conflicts (2 of 4 stars). 2 submissions from 2 submitters: Likely pathogenic (2). Last evaluated 2024-05-24.

Conditions:
Congenital adrenal hyperplasia due to cytochrome P450 oxidoreductase deficiency. Also called: DISORDERED STEROIDOGENESIS DUE TO POR DEFICIENCY. Identifiers: Orphanet 95699, MedGen C1860042, MONDO:0013310, OMIM 613571.
Antley-Bixler syndrome with genital anomalies and disordered steroidogenesis (ABS1). Also called: POR Deficiency. Identifiers: Orphanet 63269, MedGen C3150099, MONDO:0008726, OMIM 201750.

Allele frequency attached by ClinVar (database versions not stated): gnomAD 0.00001; gnomAD exomes 0.00001; TOPMed 0.00001.

Submissions (2):

Fulgent Genetics
Classification: Likely pathogenic for Antley-Bixler syndrome with genital anomalies and disordered steroidogenesis; Congenital adrenal hyperplasia due to cytochrome P450 oxidoreductase deficiency. Last evaluated: 2024-05-24. Review status: criteria provided, single submitter. Criteria: ACMG Guidelines, 2015. Collection method: clinical testing. Allele origin: germline.

Labcorp Genetics (formerly Invitae), Labcorp
Classification: Likely pathogenic for Congenital adrenal hyperplasia due to cytochrome P450 oxidoreductase deficiency. Last evaluated: 2022-12-21. Review status: criteria provided, single submitter. Criteria: Invitae Variant Classification Sherloc (09022015). Collection method: clinical testing. Allele origin: germline.
Comment: This sequence change affects an acceptor splice site in intron 11 of the POR gene. It is expected to disrupt RNA splicing. Variants that disrupt the donor or acceptor splice site typically lead to a loss of protein function (PMID: 16199547), and loss-of-function variants in POR are known to be pathogenic (PMID: 14758361, 20732302, 21741353). This variant is present in population databases (no rsID available, gnomAD 0.0009%). This variant has not been reported in the literature in individuals affected with POR-related conditions. Algorithms developed to predict the effect of sequence changes on RNA splicing suggest that this variant may disrupt the consensus splice site. In summary, the currently available evidence indicates that the variant is pathogenic, but additional data are needed to prove that conclusively. Therefore, this variant has been classified as Likely Pathogenic.

Literature cited by the submitters: PubMed 16199547 (cited by Labcorp Genetics (formerly Invitae), Labcorp); PubMed 14758361 (cited by Labcorp Genetics (formerly Invitae), Labcorp); PubMed 20732302 (cited by Labcorp Genetics (formerly Invitae), Labcorp); PubMed 21741353 (cited by Labcorp Genetics (formerly Invitae), Labcorp).